The following is an entry in ClinVar:

NM_000789.4(ACE):c.231G>T (p.Ala77=)

Genes: ACE (angiotensin I converting enzyme; plus strand), LOC130061383 (ATAC-STARR-seq lymphoblastoid silent region 8817; plus strand). Cytogenetic location: 17q23.3.
Variant type: single nucleotide variant.
Coding change: c.231G>T on transcript NM_000789.4 (MANE Select); coding-DNA position 231, G replaced by T.
Protein change: p.Ala77=; no amino-acid change (alanine 77 retained).
Molecular consequence: synonymous variant. On other transcripts: 5 prime UTR variant (2).
Genome position (GRCh38, 1-based): chr17:63,477,325, G>T. VCF-style: chr17-63477325-G-T. GRCh37 (hg19) VCF-style: chr17-61554686-G-T.
Other names: c.-5G>T (NM_001382700.1); c.-384G>T (NM_001382701.1).
Identifiers: ClinVar variation 1670360 (VCV001670360.22), dbSNP rs184457276, ClinGen allele CA501341425.

ClinVar aggregate classification (germline): Likely benign. Review status: criteria provided, multiple submitters, no conflicts (2 of 4 stars). 2 submissions from 2 submitters: Likely benign (2). Last evaluated 2024-10-01.

Submissions (2):

CeGaT Center for Human Genetics Tuebingen
Classification: Likely benign. Last evaluated: 2024-10-01. Review status: criteria provided, single submitter. Criteria: CeGaT Center For Human Genetics Tuebingen Variant Classification Criteria Version 2. Collection method: clinical testing. Allele origin: germline. Affected: yes. Observed: 1 variant allele.
Comment: ACE: BP4, BP7

Labcorp Genetics (formerly Invitae), Labcorp
Classification: Likely benign. Last evaluated: 2022-07-26. Review status: criteria provided, single submitter. Criteria: Invitae Variant Classification Sherloc (09022015). Collection method: clinical testing. Allele origin: germline.